The following is an entry in ClinVar:

NM_000350.3(ABCA4):c.1937+435C>G

Gene: ABCA4 (ATP binding cassette subfamily A member 4; minus strand). Cytogenetic location: 1p22.1.
Variant type: single nucleotide variant.
Coding change: c.1937+435C>G on transcript NM_000350.3 (MANE Select); 435 bases into the intron after coding-DNA position 1937, C replaced by G.
Molecular consequence: intron variant.
Genome position (GRCh38, 1-based): chr1:94,062,142, G>C on the plus strand (C>G on the coding strand, the complement: ABCA4 is on the minus strand). VCF-style: chr1-94062142-G-C. GRCh37 (hg19) VCF-style: chr1-94527698-G-C.
Identifiers: ClinVar variation 1458127 (VCV001458127.8), dbSNP rs1570392557, ClinGen allele CA2573132702.
Genomic context (GRCh38, chr1:94,062,142, plus strand): 5'-GCTCATCCAACACATTCCTCTGCCTTGTCATTGAGCATACATCATGGAAATGTTAGTTAG[G>C]GAAGGGGCTGCATTATTCCAGGGCTCCCAGGAACCAGACCTACTGGCCATACAGAGTCCA-3'

ClinVar aggregate classification (germline): Pathogenic (1 of 4 stars; one submission).

Submission:

Labcorp Genetics (formerly Invitae), Labcorp
Classification: Pathogenic. Last evaluated: 2025-10-07. Review status: criteria provided, single submitter. Criteria: Invitae Variant Classification Sherloc (09022015). Collection method: clinical testing. Allele origin: germline.
Comment: This sequence change falls in intron 13 of the ABCA4 gene. It does not directly change the encoded amino acid sequence of the ABCA4 protein. This variant is not present in population databases (gnomAD no frequency). This variant has been observed in individual(s) with Stargardt disease (PMID: 30643219; internal data). In at least one individual the data is consistent with being in trans (on the opposite chromosome) from a pathogenic variant. ClinVar contains an entry for this variant (Variation ID: 1458127). Studies have shown that this variant alters mRNA splicing and is expected to lead to the loss of protein expression (PMID: 30643219). For these reasons, this variant has been classified as Pathogenic.

Literature cited by the submitters: PubMed 30643219.